The following is an entry in ClinVar:

ClinVar aggregate classification (germline): Uncertain significance (1 of 4 stars; one submission).

Submission:

Labcorp Genetics (formerly Invitae), Labcorp
Classification: Uncertain significance. Last evaluated: 2023-08-04. Review status: criteria provided, single submitter. Criteria: Invitae Variant Classification Sherloc (09022015). Collection method: clinical testing. Allele origin: germline.
Comment: This sequence change replaces valine, which is neutral and non-polar, with alanine, which is neutral and non-polar, at codon 1173 of the COL11A2 protein (p.Val1173Ala). This variant is not present in population databases (gnomAD no frequency). This variant has not been reported in the literature in individuals affected with COL11A2-related conditions. Advanced modeling of protein sequence and biophysical properties (such as structural, functional, and spatial information, amino acid conservation, physicochemical variation, residue mobility, and thermodynamic stability) performed at Invitae indicates that this missense variant is not expected to disrupt COL11A2 protein function. In summary, the available evidence is currently insufficient to determine the role of this variant in disease. Therefore, it has been classified as a Variant of Uncertain Significance.

NM_080680.3(COL11A2):c.3518T>C (p.Val1173Ala)

Gene: COL11A2 (collagen type XI alpha 2 chain; minus strand). Cytogenetic location: 6p21.32.
Variant type: single nucleotide variant.
Coding change: c.3518T>C on transcript NM_080680.3 (MANE Select); coding-DNA position 3518, T replaced by C.
Protein change: p.Val1173Ala; replaces valine 1173 with alanine.
Molecular consequence: missense variant.
Genome position (GRCh38, 1-based): chr6:33,170,567, A>G on the plus strand (T>C on the coding strand, the complement: COL11A2 is on the minus strand). VCF-style: chr6-33170567-A-G. GRCh37 (hg19) VCF-style: chr6-33138344-A-G.
Other names: c.3260T>C, p.Val1087Ala (NM_080681.3); c.3338T>C, p.Val1113Ala (NM_001424108.1); c.2672T>C, p.Val891Ala (NM_001424109.1); c.2492T>C, p.Val831Ala (NM_001424110.1, NM_001424111.1); c.1472T>C, p.Val491Ala (NM_001424112.1); c.3197T>C, p.Val1066Ala (NM_080679.3); short protein forms V1087A, V491A, V1113A, V1066A, V1173A, V831A, V891A.
Identifiers: ClinVar variation 2830256 (VCV002830256.3), dbSNP rs2534782031, ClinGen allele CA363630281.